The following is an entry in ClinVar:

NM_178857.6(RP1L1):c.2729G>C (p.Arg910Thr)

Gene: RP1L1 (RP1 like 1). Cytogenetic location: 8p23.1.
Variant type: single nucleotide variant.
Coding change: c.2729G>C on transcript NM_178857.6 (MANE Select); coding-DNA position 2729, G replaced by C.
Protein change: p.Arg910Thr; replaces arginine 910 with threonine.
Molecular consequence: missense variant.
Genome position (GRCh38, 1-based): chr8:10,611,369, C>G on the plus strand (G>C on the coding strand, the complement: RP1L1 is on the minus strand). VCF-style: chr8-10611369-C-G. GRCh37 (hg19) VCF-style: chr8-10468879-C-G.
Other names: short protein forms R910T.
Identifiers: ClinVar variation 2385360 (VCV002385360.3), dbSNP rs376255409, ClinGen allele CA4624727.

ClinVar aggregate classification (germline): Uncertain significance. Review status: criteria provided, multiple submitters, no conflicts (2 of 4 stars). 2 submissions from 2 submitters: Uncertain significance (2). Last evaluated 2025-11-30.

Conditions:
RP1L1-related disorder. Also called: RP1L1-related condition.
Inborn genetic diseases. Identifiers: MedGen C0950123, MeSH D030342.

Allele frequency attached by ClinVar (database versions not stated): ExAC 0.00001; gnomAD exomes 0.00001; gnomAD 0.00003; TOPMed 0.00005; ESP Exome Variant Server 0.00008; 1000 Genomes Project 30x 0.00016; 1000 Genomes Project 0.00020.
gnomAD v4.1: 21 of 1,610,028 alleles (0.0013%); highest among the groups gnomAD compares: Non-Finnish European, 0.0016%; no homozygotes.

Submissions (2):

PreventionGenetics, part of Exact Sciences
Classification: Uncertain significance for RP1L1-related condition. Last evaluated: 2025-11-30. Review status: criteria provided, single submitter. Criteria: ACMG Guidelines, 2015. Collection method: clinical testing. Allele origin: germline.
Comment: The RP1L1 c.2729G>C variant is predicted to result in the amino acid substitution p.Arg910Thr. To our knowledge, this variant has not been reported in the literature. This variant is reported in 0.0047% of alleles in individuals of European (Non-Finnish) descent in gnomAD. At this time, the clinical significance of this variant is uncertain due to the absence of conclusive functional and genetic evidence.

Ambry Genetics
Classification: Uncertain significance for Inborn genetic diseases. Last evaluated: 2021-08-17. Review status: criteria provided, single submitter. Criteria: Ambry Variant Classification Scheme 2023. Collection method: clinical testing. Allele origin: germline.